The following is an entry in ClinVar:

ClinVar aggregate classification (germline): Uncertain significance (1 of 4 stars; one submission).

gnomAD v4.1: 26 of 1,614,042 alleles (0.0016%); highest among the groups gnomAD compares: South Asian, 0.0022%; no homozygotes.

Submission:

Labcorp Genetics (formerly Invitae), Labcorp
Classification: Uncertain significance. Last evaluated: 2025-10-29. Review status: criteria provided, single submitter. Criteria: Invitae Variant Classification Sherloc (09022015). Collection method: clinical testing. Allele origin: germline.
Comment: This sequence change replaces alanine, which is neutral and non-polar, with valine, which is neutral and non-polar, at codon 456 of the SERPING1 protein (p.Ala456Val). This variant is present in population databases (rs770743959, gnomAD 0.01%). This variant has not been reported in the literature in individuals affected with SERPING1-related conditions. Invitae Evidence Modeling of protein sequence and biophysical properties (such as structural, functional, and spatial information, amino acid conservation, physicochemical variation, residue mobility, and thermodynamic stability) indicates that this missense variant is expected to disrupt SERPING1 protein function with a positive predictive value of 80%. In summary, the available evidence is currently insufficient to determine the role of this variant in disease. Therefore, it has been classified as a Variant of Uncertain Significance.

NM_000062.3(SERPING1):c.1367C>T (p.Ala456Val)

Gene: SERPING1 (serpin family G member 1; plus strand). Cytogenetic location: 11q12.1.
Variant type: single nucleotide variant.
Coding change: c.1367C>T on transcript NM_000062.3 (MANE Select); coding-DNA position 1367, C replaced by T.
Protein change: p.Ala456Val; replaces alanine 456 with valine.
Molecular consequence: missense variant.
Genome position (GRCh38, 1-based): chr11:57,614,445, C>T. VCF-style: chr11-57614445-C-T. GRCh37 (hg19) VCF-style: chr11-57381918-C-T.
Other names: c.1367C>T, p.Ala456Val (NM_001032295.2); short protein forms A456V.
Identifiers: ClinVar variation 4739716 (VCV004739716.1).
Genomic context (GRCh38, chr11:57,614,445, plus strand): 5'-TTCAGGTTTCTGCGATGCAGCACCAGACAGTGCTGGAACTGACAGAGACTGGGGTGGAGG[C>T]GGCTGCAGCCTCCGCCATCTCTGTGGCCCGCACCCTGCTGGTCTTTGAAGTGCAGCAGCC-3'
Protein context (NP_000053.2, residues 446-466): VLELTETGVE[Ala456Val]AAASAISVAR